The following is an entry in ClinVar:

ClinVar aggregate classification (germline): Uncertain significance (1 of 4 stars; one submission).

gnomAD v4.1: 1 of 1,601,402 alleles (0.000062%); no homozygotes.

Submission:

Labcorp Genetics (formerly Invitae), Labcorp
Classification: Uncertain significance. Last evaluated: 2024-10-13. Review status: criteria provided, single submitter. Criteria: Invitae Variant Classification Sherloc (09022015). Collection method: clinical testing. Allele origin: germline.
Comment: This sequence change replaces glutamine, which is neutral and polar, with proline, which is neutral and non-polar, at codon 257 of the SIN3A protein (p.Gln257Pro). This variant is not present in population databases (gnomAD no frequency). This variant has not been reported in the literature in individuals affected with SIN3A-related conditions. An algorithm developed to predict the effect of missense changes on protein structure and function (PolyPhen-2) suggests that this variant is likely to be tolerated. In summary, the available evidence is currently insufficient to determine the role of this variant in disease. Therefore, it has been classified as a Variant of Uncertain Significance.

NM_001145358.2(SIN3A):c.770A>C (p.Gln257Pro)

Gene: SIN3A (SIN3 transcription regulator family member A; minus strand). Cytogenetic location: 15q24.2.
Variant type: single nucleotide variant.
Coding change: c.770A>C on transcript NM_001145358.2 (MANE Select); coding-DNA position 770, A replaced by C.
Protein change: p.Gln257Pro; replaces glutamine 257 with proline.
Molecular consequence: missense variant.
Genome position (GRCh38, 1-based): chr15:75,411,730, T>G on the plus strand (A>C on the coding strand, the complement: SIN3A is on the minus strand). VCF-style: chr15-75411730-T-G. GRCh37 (hg19) VCF-style: chr15-75704071-T-G.
Other names: c.770A>C, p.Gln257Pro (NM_001145357.2, NM_015477.3); short protein forms Q257P.
Identifiers: ClinVar variation 3722400 (VCV003722400.2).